The following is an entry in ClinVar:

NM_033118.4(MYLK2):c.1442C>G (p.Pro481Arg)

Gene: MYLK2 (myosin light chain kinase 2; plus strand). Cytogenetic location: 20q11.21.
Variant type: single nucleotide variant.
Coding change: c.1442C>G on transcript NM_033118.4 (MANE Select); coding-DNA position 1442, C replaced by G.
Protein change: p.Pro481Arg; replaces proline 481 with arginine.
Molecular consequence: missense variant.
Genome position (GRCh38, 1-based): chr20:31,831,720, C>G. VCF-style: chr20-31831720-C-G. GRCh37 (hg19) VCF-style: chr20-30419523-C-G.
Other names: short protein forms P481R.
Identifiers: ClinVar variation 3669939 (VCV003669939.2).

ClinVar aggregate classification (germline): Uncertain significance (1 of 4 stars; one submission).

Conditions:
Hypertrophic cardiomyopathy 1 (CMH1). Also called: Familial hypertrophic cardiomyopathy 1; MYH7-Related Familial Hypertrophic Cardiomyopathy. Identifiers: MedGen C3495498, MONDO:0008647, OMIM 192600.

gnomAD v4.1: 4 of 1,614,100 alleles (0.00025%); highest among the groups gnomAD compares: South Asian, 0.0011%; no homozygotes.

Submission:

Labcorp Genetics (formerly Invitae), Labcorp
Classification: Uncertain significance for Hypertrophic cardiomyopathy 1. Last evaluated: 2024-11-26. Review status: criteria provided, single submitter. Criteria: Invitae Variant Classification Sherloc (09022015). Collection method: clinical testing. Allele origin: germline.
Comment: This sequence change replaces proline, which is neutral and non-polar, with arginine, which is basic and polar, at codon 481 of the MYLK2 protein (p.Pro481Arg). This variant is not present in population databases (gnomAD no frequency). This variant has not been reported in the literature in individuals affected with MYLK2-related conditions. Invitae Evidence Modeling of protein sequence and biophysical properties (such as structural, functional, and spatial information, amino acid conservation, physicochemical variation, residue mobility, and thermodynamic stability) indicates that this missense variant is expected to disrupt MYLK2 protein function with a positive predictive value of 80%. In summary, the available evidence is currently insufficient to determine the role of this variant in disease. Therefore, it has been classified as a Variant of Uncertain Significance.